The following is an entry in ClinVar:

NM_001129820.2(SLFN14):c.1904C>T (p.Thr635Ile)

Gene: SLFN14 (schlafen family member 14; minus strand). Cytogenetic location: 17q12.
Variant type: single nucleotide variant.
Coding change: c.1904C>T on transcript NM_001129820.2 (MANE Select); coding-DNA position 1904, C replaced by T.
Protein change: p.Thr635Ile; replaces threonine 635 with isoleucine.
Molecular consequence: missense variant.
Genome position (GRCh38, 1-based): chr17:35,552,730, G>A on the plus strand (C>T on the coding strand, the complement: SLFN14 is on the minus strand). VCF-style: chr17-35552730-G-A. GRCh37 (hg19) VCF-style: chr17-33879749-G-A.
Other names: short protein forms T635I.
Identifiers: ClinVar variation 1030178 (VCV001030178.1), dbSNP rs762787287, ClinGen allele CA8504586.

ClinVar aggregate classification (germline): Uncertain significance (1 of 4 stars; one submission).

Conditions:
Platelet-type bleeding disorder 20 (BDPLT20). Identifiers: Orphanet 466806, MedGen C4310797, MONDO:0014830, OMIM 616913.

Allele frequency attached by ClinVar (database versions not stated): gnomAD exomes 0.00001; gnomAD 0.00002; TOPMed 0.00002; ExAC 0.00006.

Submission:

Baylor Genetics
Classification: Uncertain significance for Platelet-type bleeding disorder 20. Last evaluated: 2019-05-29. Review status: criteria provided, single submitter. Criteria: ACMG Guidelines, 2015. Collection method: clinical testing. Allele origin: maternal. Affected: yes.
Comment: This variant was determined to be of uncertain significance according to ACMG Guidelines, 2015 [PMID:25741868].